The following is an entry in ClinVar:

ClinVar aggregate classification (germline): Uncertain significance (1 of 4 stars; one submission).

Submission:

Labcorp Genetics (formerly Invitae), Labcorp
Classification: Uncertain significance. Last evaluated: 2023-11-01. Review status: criteria provided, single submitter. Criteria: Invitae Variant Classification Sherloc (09022015). Collection method: clinical testing. Allele origin: germline.
Comment: This sequence change replaces cysteine, which is neutral and slightly polar, with glycine, which is neutral and non-polar, at codon 1512 of the ARID2 protein (p.Cys1512Gly). This variant is not present in population databases (gnomAD no frequency). This variant has not been reported in the literature in individuals affected with ARID2-related conditions. Experimental studies and prediction algorithms are not available or were not evaluated, and the functional significance of this variant is currently unknown. In summary, the available evidence is currently insufficient to determine the role of this variant in disease. Therefore, it has been classified as a Variant of Uncertain Significance.

NM_152641.4(ARID2):c.4534T>G (p.Cys1512Gly)

Gene: ARID2 (AT-rich interaction domain 2; plus strand). Cytogenetic location: 12q12.
Variant type: single nucleotide variant.
Coding change: c.4534T>G on transcript NM_152641.4 (MANE Select); coding-DNA position 4534, T replaced by G.
Protein change: p.Cys1512Gly; replaces cysteine 1512 with glycine.
Molecular consequence: missense variant.
Genome position (GRCh38, 1-based): chr12:45,852,657, T>G. VCF-style: chr12-45852657-T-G. GRCh37 (hg19) VCF-style: chr12-46246440-T-G.
Other names: c.4534T>G, p.Cys1512Gly (NM_001347839.2); short protein forms C1512G.
Identifiers: ClinVar variation 2773288 (VCV002773288.3), dbSNP rs781092163, ClinGen allele CA384491924.